The following is an entry in ClinVar:

ClinVar aggregate classification (germline): Uncertain significance (1 of 4 stars; one submission).

Conditions:
Malignant hyperthermia, susceptibility to, 1 (MHS1). Also called: Anesthesia related hyperthermia; Malignant hyperpyrexia; Fulminating hyperpyrexia; Pharmacogenic myopathy; RYR1-Related Malignant Hyperthermia Susceptibility; Malignant hyperthermia suceptibility 1. Identifiers: Orphanet 423, MedGen C2930980, MONDO:0007783, OMIM 145600.

Allele frequency attached by ClinVar (database versions not stated): gnomAD 0.00001; gnomAD exomes 0.00001; ExAC 0.00002.
gnomAD v4.1: 6 of 1,610,076 alleles (0.00037%); highest among the groups gnomAD compares: South Asian, 0.0055%; no homozygotes.

Submission:

All of Us Research Program, National Institutes of Health
Classification: Uncertain significance for Malignant hyperthermia, susceptibility to, 1. Last evaluated: 2024-01-11. Review status: criteria provided, single submitter. Criteria: ACMG Guidelines, 2015. Collection method: clinical testing. Allele origin: germline. Inheritance: Autosomal dominant inheritance. Observed: 1 variant allele, 1 heterozygote.
Comment: This study involves interpretation of variants in research participants for the purpose of population health screening. Participant phenotype was not available at the time of variant classification. Additional details can be found in publication PMID: 35346344, PMCID: PMC8962531

NM_000540.3(RYR1):c.4976A>G (p.Gln1659Arg)

Gene: RYR1 (ryanodine receptor 1; plus strand). Cytogenetic location: 19q13.2.
Variant type: single nucleotide variant.
Coding change: c.4976A>G on transcript NM_000540.3 (MANE Select); coding-DNA position 4976, A replaced by G.
Protein change: p.Gln1659Arg; replaces glutamine 1659 with arginine.
Molecular consequence: missense variant.
Genome position (GRCh38, 1-based): chr19:38,485,631, A>G. VCF-style: chr19-38485631-A-G. GRCh37 (hg19) VCF-style: chr19-38976271-A-G.
Other names: c.4976A>G, p.Gln1659Arg (NM_001042723.2); short protein forms Q1659R.
Identifiers: ClinVar variation 3075362 (VCV003075362.1), dbSNP rs762681315, ClinGen allele CA066565.